The following is an entry in ClinVar:

NM_004586.3(RPS6KA3):c.35A>G (p.Lys12Arg)

Genes: RPS6KA3 (ribosomal protein S6 kinase A3; minus strand), LOC130068032 (ATAC-STARR-seq lymphoblastoid silent region 20696; plus strand). Cytogenetic location: Xp22.12.
Variant type: single nucleotide variant.
Coding change: c.35A>G on transcript NM_004586.3 (MANE Select); coding-DNA position 35, A replaced by G.
Protein change: p.Lys12Arg; replaces lysine 12 with arginine.
Molecular consequence: missense variant.
Genome position (GRCh38, 1-based): chrX:20,266,598, T>C on the plus strand (A>G on the coding strand, the complement: RPS6KA3 is on the minus strand). VCF-style: chrX-20266598-T-C. GRCh37 (hg19) VCF-style: chrX-20284716-T-C.
Other names: short protein forms K12R.
Identifiers: ClinVar variation 3352101 (VCV003352101.2).

ClinVar aggregate classification (germline): Uncertain significance (1 of 4 stars; one submission).

Conditions:
RPS6KA3-related disorder. Also called: RPS6KA3-related condition.

Submission:

PreventionGenetics, part of Exact Sciences
Classification: Uncertain significance for RPS6KA3-related condition. Last evaluated: 2025-05-08. Review status: criteria provided, single submitter. Criteria: ACMG Guidelines, 2015. Collection method: clinical testing. Allele origin: germline.
Comment: The RPS6KA3 c.35A>G variant is predicted to result in the amino acid substitution p.Lys12Arg. To our knowledge, this variant has not been reported in the literature or in a large population database, indicating this variant is rare. At this time, the clinical significance of this variant is uncertain due to the absence of conclusive functional and genetic evidence.